The following is an entry in ClinVar:

NM_000038.6(APC):c.4228T>G (p.Cys1410Gly)

Gene: APC (APC regulator of Wnt signaling pathway; plus strand). Cytogenetic location: 5q22.2.
Variant type: single nucleotide variant.
Coding change: c.4228T>G on transcript NM_000038.6 (MANE Select); coding-DNA position 4228, T replaced by G.
Protein change: p.Cys1410Gly; replaces cysteine 1410 with glycine.
Molecular consequence: missense variant.
Genome position (GRCh38, 1-based): chr5:112,839,822, T>G. VCF-style: chr5-112839822-T-G. GRCh37 (hg19) VCF-style: chr5-112175519-T-G.
Other names: c.4228T>G, p.Cys1410Gly (NM_001127510.3, NM_001354895.2); c.4174T>G, p.Cys1392Gly (NM_001127511.3); c.4282T>G, p.Cys1428Gly (NM_001354896.2); c.4258T>G, p.Cys1420Gly (NM_001354897.2); c.4153T>G, p.Cys1385Gly (NM_001354898.2); c.4144T>G, p.Cys1382Gly (NM_001354899.2); c.4105T>G, p.Cys1369Gly (NM_001354900.2); c.4051T>G, p.Cys1351Gly (NM_001354901.2); and 5 more; short protein forms C1410G, C1392G, C1127G, C1250G, C1284G, C1351G, C1420G, C1309G.
Identifiers: ClinVar variation 582641 (VCV000582641.18), dbSNP rs1561590765, ClinGen allele CA16030595.

ClinVar aggregate classification (germline): Uncertain significance. Review status: criteria provided, multiple submitters, no conflicts (2 of 4 stars). 3 submissions from 3 submitters: Uncertain significance (3). Last evaluated 2024-01-19.

Conditions:
Hereditary cancer-predisposing syndrome. Also called: Neoplastic Syndromes, Hereditary; Hereditary Cancer Syndrome; Tumor predisposition; Hereditary neoplastic syndrome. Identifiers: Orphanet 140162, MedGen C0027672, MeSH D009386, MONDO:0015356.
Familial adenomatous polyposis 1 (FAP1). Also called: FAMILIAL ADENOMATOUS POLYPOSIS 1, ATTENUATED; POLYPOSIS, ADENOMATOUS INTESTINAL. Identifiers: MedGen C2713442, MONDO:0021056, OMIM 175100. Disease mechanism: loss of function.

Allele frequency attached by ClinVar (database versions not stated): gnomAD exomes below 0.00001.
gnomAD v4.1: 1 of 1,614,060 alleles (0.000062%); highest among the groups gnomAD compares: Non-Finnish European, 0.000085%; no homozygotes.

Submissions (3):

Labcorp Genetics (formerly Invitae), Labcorp
Classification: Uncertain significance for Familial adenomatous polyposis 1. Last evaluated: 2024-01-19. Review status: criteria provided, single submitter. Criteria: Invitae Variant Classification Sherloc (09022015). Collection method: clinical testing. Allele origin: germline.
Comment: This sequence change replaces cysteine, which is neutral and slightly polar, with glycine, which is neutral and non-polar, at codon 1410 of the APC protein (p.Cys1410Gly). This variant is not present in population databases (gnomAD no frequency). This variant has not been reported in the literature in individuals affected with APC-related conditions. ClinVar contains an entry for this variant (Variation ID: 582641). Advanced modeling of protein sequence and biophysical properties (such as structural, functional, and spatial information, amino acid conservation, physicochemical variation, residue mobility, and thermodynamic stability) performed at Invitae indicates that this missense variant is not expected to disrupt APC protein function with a negative predictive value of 95%. In summary, the available evidence is currently insufficient to determine the role of this variant in disease. Therefore, it has been classified as a Variant of Uncertain Significance.

Color Diagnostics, LLC DBA Color Health
Classification: Uncertain significance for Hereditary cancer-predisposing syndrome. Last evaluated: 2023-12-04. Review status: criteria provided, single submitter. Criteria: ACMG Guidelines, 2015. Collection method: clinical testing. Allele origin: germline.
Comment: This missense variant replaces cysteine with glycine at codon 1410 of the APC protein. Computational prediction is inconclusive regarding the impact of this variant on protein structure and function (internally defined REVEL score threshold 0.5 < inconclusive < 0.7, PMID: 27666373). To our knowledge, functional studies have not been reported for this variant. This variant has not been reported in individuals affected with APC-related disorders in the literature. This variant has not been identified in the general population by the Genome Aggregation Database (gnomAD). The available evidence is insufficient to determine the role of this variant in disease conclusively. Therefore, this variant is classified as a Variant of Uncertain Significance.

Ambry Genetics
Classification: Uncertain significance for Hereditary cancer-predisposing syndrome. Last evaluated: 2022-07-12. Review status: criteria provided, single submitter. Criteria: Ambry Variant Classification Scheme 2023. Collection method: clinical testing. Allele origin: germline.
Comment: The p.C1410G variant (also known as c.4228T>G), located in coding exon 15 of the APC gene, results from a T to G substitution at nucleotide position 4228. The cysteine at codon 1410 is replaced by glycine, an amino acid with highly dissimilar properties. This amino acid position is highly conserved in available vertebrate species. In addition, in silico predictors for this gene do not accurately predict pathogenicity. Since supporting evidence is limited at this time, the clinical significance of this alteration remains unclear.